The following is an entry in ClinVar:

ClinVar aggregate classification (germline): Uncertain significance (1 of 4 stars; one submission).

Conditions:
BBS9-related disorder. Also called: BBS9-related condition.

Submission:

PreventionGenetics, part of Exact Sciences
Classification: Uncertain significance for BBS9-related condition. Last evaluated: 2025-12-02. Review status: criteria provided, single submitter. Criteria: ACMG Guidelines, 2015. Collection method: clinical testing. Allele origin: germline.
Comment: The BBS9 c.205C>T variant is predicted to result in the amino acid substitution p.Leu69Phe. To our knowledge, this variant has not been reported in the literature or in a large population database (gnomAD), indicating this variant is rare. At this time, the clinical significance of this variant is uncertain due to the absence of conclusive functional and genetic evidence.

NM_198428.3(BBS9):c.205C>T (p.Leu69Phe)

Gene: BBS9 (Bardet-Biedl syndrome 9; plus strand). Cytogenetic location: 7p14.3.
Variant type: single nucleotide variant.
Coding change: c.205C>T on transcript NM_198428.3 (MANE Select); coding-DNA position 205, C replaced by T.
Protein change: p.Leu69Phe; replaces leucine 69 with phenylalanine.
Molecular consequence: missense variant. On other transcripts: 5 prime UTR variant (4), non-coding transcript variant (3), intron variant (2).
Genome position (GRCh38, 1-based): chr7:33,152,793, C>T. VCF-style: chr7-33152793-C-T. GRCh37 (hg19) VCF-style: chr7-33192405-C-T.
Other names: c.205C>T, p.Leu69Phe (NM_001033604.2, NM_001033605.2, NM_001348036.1 and 5 more transcripts); c.-97C>T (NM_001348037.3, NM_001348045.3); c.-73C>T (NM_001348038.3, NM_001348039.3); c.70C>T, p.Leu24Phe (NM_001348042.3); c.-39+22752C>T (NM_001348046.3, NM_001348044.3); short protein forms L24F, L69F.
Identifiers: ClinVar variation 4991387 (VCV004991387.1).